The following is an entry in ClinVar:

ClinVar aggregate classification (germline): Uncertain significance (1 of 4 stars; one submission).

gnomAD v4.1: 4 of 1,613,886 alleles (0.00025%); highest among the groups gnomAD compares: Non-Finnish European, 0.00017%; no homozygotes.

Submission:

GeneDx
Classification: Uncertain significance. Last evaluated: 2025-06-24. Review status: criteria provided, single submitter. Criteria: GeneDx Variant Classification Process June 2021. Collection method: clinical testing. Allele origin: germline. Affected: yes.
Comment: Not observed at significant frequency in large population cohorts (gnomAD); In silico analysis supports that this missense variant has a deleterious effect on protein structure/function; Has not been previously published as pathogenic or benign to our knowledge

NM_000214.3(JAG1):c.2138C>T (p.Thr713Met)

Gene: JAG1 (jagged canonical Notch ligand 1; minus strand). Cytogenetic location: 20p12.2.
Variant type: single nucleotide variant.
Coding change: c.2138C>T on transcript NM_000214.3 (MANE Select); coding-DNA position 2138, C replaced by T.
Protein change: p.Thr713Met; replaces threonine 713 with methionine.
Molecular consequence: missense variant.
Genome position (GRCh38, 1-based): chr20:10,645,232, G>A on the plus strand (C>T on the coding strand, the complement: JAG1 is on the minus strand). VCF-style: chr20-10645232-G-A. GRCh37 (hg19) VCF-style: chr20-10625880-G-A.
Other names: short protein forms T713M.
Identifiers: ClinVar variation 4540167 (VCV004540167.1).
Genomic context (GRCh38, chr20:10,645,232, plus strand): 5'-CCAGGACACATGCACTTAAAAGCATCCCCCTCATCATAGCAGGTGCCACCGTTGTTGCAC[G>A]TGGCCTCATCACACTGACTGTCACCTGGAGGAAAATATTTCAGTGTGAGTCCCAGTGGCC-3'
Protein context (NP_000205.1, residues 703-723): HSRDSQCDEA[Thr713Met]CNNGGTCYDE